The following is an entry in ClinVar:

ClinVar aggregate classification (germline): Uncertain significance (1 of 4 stars; one submission).

Submission:

GeneDx
Classification: Uncertain significance. Last evaluated: 2025-05-22. Review status: criteria provided, single submitter. Criteria: GeneDx Variant Classification Process June 2021. Collection method: clinical testing. Allele origin: germline. Affected: yes.
Comment: Not observed at significant frequency in large population cohorts (gnomAD); In silico analysis supports that this missense variant has a deleterious effect on protein structure/function; Has not been previously published as pathogenic or benign to our knowledge.

NM_020338.4(ZMIZ1):c.989T>C (p.Phe330Ser)

Gene: ZMIZ1 (zinc finger MIZ-type containing 1; plus strand). Cytogenetic location: 10q22.3.
Variant type: single nucleotide variant.
Coding change: c.989T>C on transcript NM_020338.4 (MANE Select); coding-DNA position 989, T replaced by C.
Protein change: p.Phe330Ser; replaces phenylalanine 330 with serine.
Molecular consequence: missense variant.
Genome position (GRCh38, 1-based): chr10:79,293,412, T>C. VCF-style: chr10-79293412-T-C. GRCh37 (hg19) VCF-style: chr10-81053169-T-C.
Other names: short protein forms F330S.
Identifiers: ClinVar variation 4530734 (VCV004530734.1).